The following is an entry in ClinVar:

ClinVar aggregate classification (germline): Uncertain significance. Review status: criteria provided, single submitter (1 of 4 stars). 2 submissions from 2 submitters: Uncertain significance (1). 1 of the submissions does not count toward it. Last evaluated 2026-01-17.

Conditions:
Baller-Gerold syndrome (BGS). Also called: CRANIOSYNOSTOSIS WITH RADIAL DEFECTS. Identifiers: Orphanet 1225, MedGen C0265308, MONDO:0009039, OMIM 218600.

Allele frequency attached by ClinVar (database versions not stated): TOPMed 0.00006; gnomAD 0.00017 and 0.00018.
gnomAD v4.1: 32 of 1,612,274 alleles (0.002%); highest among the groups gnomAD compares: Admixed American, 0.043%; no homozygotes.

Submissions (2):

Labcorp Genetics (formerly Invitae), Labcorp
Classification: Uncertain significance for Baller-Gerold syndrome. Last evaluated: 2026-01-17. Review status: criteria provided, single submitter. Criteria: Invitae Variant Classification Sherloc (09022015). Collection method: clinical testing. Allele origin: germline.
Comment: This sequence change replaces alanine, which is neutral and non-polar, with valine, which is neutral and non-polar, at codon 1174 of the RECQL4 protein (p.Ala1174Val). This variant is present in population databases (rs587778648, gnomAD 0.009%). This variant has not been reported in the literature in individuals affected with RECQL4-related conditions. ClinVar contains an entry for this variant (Variation ID: 135156). Invitae Evidence Modeling of protein sequence and biophysical properties (such as structural, functional, and spatial information, amino acid conservation, physicochemical variation, residue mobility, and thermodynamic stability) indicates that this missense variant is expected to disrupt RECQL4 protein function with a positive predictive value of 80%. In summary, the available evidence is currently insufficient to determine the role of this variant in disease. Therefore, it has been classified as a Variant of Uncertain Significance.

ITMI
No classification provided. Condition: AllHighlyPenetrant. Last evaluated: 2013-09-19. Review status: no classification provided. Collection method: reference population. Allele origin: germline. Not counted in ClinVar's aggregate classification.
Comment: Please see associated publication for description of ethnicities

Literature cited by the submitters: PubMed 24728327 (cited by ITMI).

NM_004260.4(RECQL4):c.3521C>T (p.Ala1174Val)

Gene: RECQL4 (RecQ like helicase 4; minus strand). Cytogenetic location: 8q24.3.
Variant type: single nucleotide variant.
Coding change: c.3521C>T on transcript NM_004260.4 (MANE Select); coding-DNA position 3521, C replaced by T.
Protein change: p.Ala1174Val; replaces alanine 1174 with valine.
Molecular consequence: missense variant.
Genome position (GRCh38, 1-based): chr8:144,511,537, G>A on the plus strand (C>T on the coding strand, the complement: RECQL4 is on the minus strand). VCF-style: chr8-144511537-G-A. GRCh37 (hg19) VCF-style: chr8-145736920-G-A.
Other names: short protein forms A1174V.
Identifiers: ClinVar variation 135156 (VCV000135156.7), dbSNP rs587778648, ClinGen allele CA161869.
Genomic context (GRCh38, chr8:144,511,537, plus strand): 5'-GCATGGAAGCTCAGGTGCAGGTATTTTCTCCAGAAGCGTCGGTCCTGCCCGTACACCTGG[G>A]CCGGGTAGCAGGGGCTTCCTACGGTGGAGCCAAGACACAGCCGTGAGCCCCAGCCCCAGC-3'
Protein context (NP_004251.4, residues 1164-1184): FHGIGSPCYP[Ala1174Val]QVYGQDRRFW